The following is an entry in ClinVar:

ClinVar aggregate classification (germline): Conflicting classifications of pathogenicity. Review status: criteria provided, conflicting classifications (1 of 4 stars). 10 submissions from 10 submitters: Likely pathogenic (3); Uncertain significance (5). 2 of the submissions do not count toward it. Last evaluated 2025-12-08.

Conditions:
Inborn genetic diseases. Identifiers: MedGen C0950123, MeSH D030342.
Hereditary spastic paraplegia 7 (SPG7). Also called: Spastic paraplegia 7; Hereditary spastic paraplegia Paraplegin type; Autosomal recessive spastic paraplegia type 7; SPASTIC PARAPLEGIA 7, AUTOSOMAL RECESSIVE, WITH OR WITHOUT CEREBELLAR ATAXIA; SPG7-related neurologic disorder. Identifiers: Orphanet 99013, MedGen C1846564, MONDO:0011803, OMIM 607259.

Allele frequency attached by ClinVar (database versions not stated): ESP Exome Variant Server 0.00015; TOPMed 0.00015.
gnomAD v4.1: 290 of 1,613,804 alleles (0.018%); highest among the groups gnomAD compares: Admixed American, 0.027%; no homozygotes.

Submissions (10):

Labcorp Genetics (formerly Invitae), Labcorp
Classification: Likely pathogenic for Hereditary spastic paraplegia 7. Last evaluated: 2025-12-08. Review status: criteria provided, single submitter. Criteria: Invitae Variant Classification Sherloc (09022015). Collection method: clinical testing. Allele origin: germline.
Comment: This sequence change replaces proline, which is neutral and non-polar, with threonine, which is neutral and polar, at codon 350 of the SPG7 protein (p.Pro350Thr). This variant is present in population databases (rs199789849, gnomAD 0.03%). This missense change has been observed in individual(s) with clinical features of autosomal recessive hereditary spastic paraplegia (internal data). In at least one individual the data is consistent with being in trans (on the opposite chromosome) from a pathogenic variant. ClinVar contains an entry for this variant (Variation ID: 654119). Invitae Evidence Modeling of protein sequence and biophysical properties (such as structural, functional, and spatial information, amino acid conservation, physicochemical variation, residue mobility, and thermodynamic stability) indicates that this missense variant is expected to disrupt SPG7 protein function with a positive predictive value of 80%. In summary, the currently available evidence indicates that the variant is pathogenic, but additional data are needed to prove that conclusively. Therefore, this variant has been classified as Likely Pathogenic.

CeGaT Center for Human Genetics Tuebingen
Classification: Uncertain significance. Last evaluated: 2024-11-01. Review status: criteria provided, single submitter. Criteria: CeGaT Center For Human Genetics Tuebingen Variant Classification Criteria Version 2. Collection method: clinical testing. Allele origin: germline. Affected: yes. Observed: 4 variant alleles.
Comment: SPG7: PM2:Supporting, PM3:Supporting, PP3

Blueprint Genetics
Classification: Uncertain significance. Last evaluated: 2024-08-21. Review status: criteria provided, single submitter. Criteria: ACMG Guidelines, 2015. Collection method: clinical testing. Allele origin: germline.

Athena Diagnostics
Classification: Likely pathogenic. Last evaluated: 2024-08-13. Review status: criteria provided, single submitter. Criteria: Athena Diagnostics Criteria. Collection method: clinical testing. Allele origin: unknown.
Comment: The frequency of this variant in the general population is consistent with pathogenicity. In multiple individuals, this variant has been seen with a single recessive pathogenic variant in the same gene, suggesting this variant may also be pathogenic. Polyphen and MutationTaster predict this amino acid change may be damaging to the protein. The variant is located in a region that is considered important for protein function and/or structure.

Fulgent Genetics
Classification: Likely pathogenic for Hereditary spastic paraplegia 7. Last evaluated: 2024-06-07. Review status: criteria provided, single submitter. Criteria: ACMG Guidelines, 2015. Collection method: clinical testing. Allele origin: germline.

GeneDx
Classification: Uncertain significance. Last evaluated: 2023-09-21. Review status: criteria provided, single submitter. Criteria: GeneDx Variant Classification Process June 2021. Collection method: clinical testing. Allele origin: germline. Affected: yes.
Comment: In silico analysis supports that this missense variant has a deleterious effect on protein structure/function; Has not been previously published as pathogenic or benign to our knowledge

Ambry Genetics
Classification: Uncertain significance for Inborn genetic diseases. Last evaluated: 2022-04-29. Review status: criteria provided, single submitter. Criteria: Ambry Variant Classification Scheme 2023. Collection method: clinical testing. Allele origin: germline.

Greenwood Genetic Center Diagnostic Laboratories, Greenwood Genetic Center
Classification: Uncertain significance. Last evaluated: 2022-02-16. Review status: criteria provided, single submitter. Criteria: ACMG Guidelines, 2015. Collection method: clinical testing. Allele origin: germline. Affected: yes.
Comment: PP3

Clinical Genetics DNA and cytogenetics Diagnostics Lab, Erasmus MC, Erasmus Medical Center
Classification: Uncertain significance. Review status: no assertion criteria provided. Collection method: clinical testing. Allele origin: germline. Affected: yes. Study: VKGL Data-share Consensus. Not counted in ClinVar's aggregate classification.

Joint Genome Diagnostic Labs from Nijmegen and Maastricht, Radboudumc and MUMC+
Classification: Uncertain significance. Review status: no assertion criteria provided. Collection method: clinical testing. Allele origin: germline. Affected: yes. Study: VKGL Data-share Consensus. Not counted in ClinVar's aggregate classification.

NM_003119.4(SPG7):c.1048C>A (p.Pro350Thr)

Gene: SPG7 (SPG7 matrix AAA peptidase subunit, paraplegin; plus strand). Cytogenetic location: 16q24.3.
Variant type: single nucleotide variant.
Coding change: c.1048C>A on transcript NM_003119.4 (MANE Select); coding-DNA position 1048, C replaced by A.
Protein change: p.Pro350Thr; replaces proline 350 with threonine.
Molecular consequence: missense variant.
Genome position (GRCh38, 1-based): chr16:89,531,964, C>A. VCF-style: chr16-89531964-C-A. GRCh37 (hg19) VCF-style: chr16-89598372-C-A.
Other names: c.1048C>A, p.Pro350Thr (NM_001363850.1, NM_199367.3); c.1048C>A (NM_003119.2); short protein forms P350T.
Identifiers: ClinVar variation 654119 (VCV000654119.58), dbSNP rs199789849, ClinGen allele CA8243924.